The following is an entry in ClinVar:

ClinVar aggregate classification (germline): Uncertain significance (1 of 4 stars; one submission).

Submission:

Labcorp Genetics (formerly Invitae), Labcorp
Classification: Uncertain significance. Last evaluated: 2025-11-05. Review status: criteria provided, single submitter. Criteria: Invitae Variant Classification Sherloc (09022015). Collection method: clinical testing. Allele origin: germline.
Comment: This variant, c.1015_1017del, results in the deletion of 1 amino acid(s) of the ARFGEF1 protein (p.Ile339del), but otherwise preserves the integrity of the reading frame. This variant is present in population databases (no rsID available, gnomAD 0.004%). This variant has not been reported in the literature in individuals affected with ARFGEF1-related conditions. Experimental studies and prediction algorithms are not available or were not evaluated, and the functional significance of this variant is currently unknown. In summary, the available evidence is currently insufficient to determine the role of this variant in disease. Therefore, it has been classified as a Variant of Uncertain Significance.

NM_006421.5(ARFGEF1):c.1015_1017del (p.Ile339del)

Gene: ARFGEF1 (ARF guanine nucleotide exchange factor 1; minus strand). Cytogenetic location: 8q13.2.
Variant type: Deletion.
Coding change: c.1015_1017del on transcript NM_006421.5 (MANE Select); coding-DNA positions 1015 to 1017, 3 bases deleted (ATT; older notation c.1015_1017delATT).
Protein change: p.Ile339del; deletes isoleucine 339.
Molecular consequence: inframe deletion. On other transcripts: 5 prime UTR variant (1), non-coding transcript variant (1).
Genome position (GRCh38, 1-based): chr8:67,287,965-67,287,967, AAT deleted on the plus strand (ATT on the coding strand, the reverse complement: ARFGEF1 is on the minus strand). VCF-style (leftmost placement, unchanged base first): chr8-67287964-CAAT-C. GRCh37 (hg19) VCF-style: chr8-68200199-CAAT-C.
Other names: c.1015_1017del, p.Ile339del (NM_001413184.1, NM_001413185.1, NM_001413186.1 and 7 more transcripts); c.415_417del, p.Ile139del (NM_001413188.1, NM_001413193.1, NM_001413197.1); c.-101_-99del (NM_001413196.1); short protein forms I339del, I139del.
Identifiers: ClinVar variation 4730436 (VCV004730436.1).
Genomic context (GRCh38, chr8:67,287,964, plus strand): 5'-CAGATGAAATCCCATAGACAGAGTAAAATAATTTTGAATGAAGTATACTACCTCCAACAA[CAAT>C]GTTCACCATTTCTTCTACAATGTTCTGTACAATGTCTTGTGGCTTTTCCTCACAATCATG-3'